The following is an entry in ClinVar:

NM_000059.4(BRCA2):c.3554_3555del (p.Thr1185fs)

Gene: BRCA2 (BRCA2 DNA repair associated; plus strand). Cytogenetic location: 13q13.1.
Variant type: Deletion.
Coding change: c.3554_3555del on transcript NM_000059.4 (MANE Select); coding-DNA positions 3554 to 3555, 2 bases deleted (CA; older notation c.3554_3555delCA).
Protein change: p.Thr1185fs; shifts the reading frame from threonine 1185.
Molecular consequence: frameshift variant.
Genome position (GRCh38, 1-based): chr13:32,337,909-32,337,910, CA deleted; deleting any 2 consecutive bases within chr13:32,337,908-32,337,910 gives the same sequence; the c. name uses the placement nearest the transcript's 3' end. VCF-style (leftmost placement, unchanged base first): chr13-32337907-TAC-T. GRCh37 (hg19) VCF-style: chr13-32912044-TAC-T.
Other names: 3782delCA; c.3554_3555delCA (NM_000059.3).
Identifiers: ClinVar variation 51485 (VCV000051485.20), dbSNP rs80359389, ClinGen allele CA018315.

ClinVar aggregate classification (germline): Pathogenic. Review status: reviewed by expert panel (3 of 4 stars). 8 submissions from 8 submitters: Pathogenic (1). 7 of the submissions do not count toward it. Last evaluated 2016-09-08.

Conditions:
Hereditary cancer-predisposing syndrome. Also called: Neoplastic Syndromes, Hereditary; Tumor predisposition; Hereditary Cancer Syndrome; Hereditary neoplastic syndrome. Identifiers: Orphanet 140162, MedGen C0027672, MeSH D009386, MONDO:0015356.
Hereditary breast ovarian cancer syndrome. Also called: Hereditary breast and ovarian cancer syndrome; Hereditary breast and ovarian cancer; Hereditary breast and ovarian cancer syndrome (HBOC); Breast and ovarian cancer; Hereditary breast and/or ovarian cancer syndrome; BRCA1- and BRCA2-Associated Hereditary Breast and Ovarian Cancer. Identifiers: Orphanet 145, MedGen C0677776, MeSH D061325, MONDO:0003582. Disease mechanism: loss of function.
Breast-ovarian cancer, familial, susceptibility to, 2 (BROVCA2). Also called: BRCA2 Hereditary Breast and Ovarian Cancer. Identifiers: Orphanet 145, MedGen C2675520, MONDO:0012933, OMIM 612555. Disease mechanism: loss of function.

Submissions (8):

Evidence-based Network for the Interpretation of Germline Mutant Alleles (ENIGMA)
Classification: Pathogenic for Breast-ovarian cancer, familial, susceptibility to, 2. Last evaluated: 2016-09-08. Review status: reviewed by expert panel. Criteria: ENIGMA BRCA1/2 Classification Criteria (2015). Collection method: curation. Allele origin: germline.
Comment: Variant allele predicted to encode a truncated non-functional protein.

Labcorp Genetics (formerly Invitae), Labcorp
Classification: Pathogenic for Hereditary breast ovarian cancer syndrome. Last evaluated: 2024-10-20. Review status: criteria provided, single submitter. Criteria: Invitae Variant Classification Sherloc (09022015). Collection method: clinical testing. Allele origin: germline. Not counted in ClinVar's aggregate classification.
Comment: This sequence change creates a premature translational stop signal (p.Thr1185Serfs*2) in the BRCA2 gene. It is expected to result in an absent or disrupted protein product. Loss-of-function variants in BRCA2 are known to be pathogenic (PMID: 20104584). This variant is not present in population databases (gnomAD no frequency). This premature translational stop signal has been observed in individual(s) with ovarian and/or other cancer (PMID: 15131399). ClinVar contains an entry for this variant (Variation ID: 51485). For these reasons, this variant has been classified as Pathogenic.

Ambry Genetics
Classification: Pathogenic for Hereditary cancer-predisposing syndrome. Last evaluated: 2024-09-11. Review status: criteria provided, single submitter. Criteria: Ambry Variant Classification Scheme 2023. Collection method: clinical testing. Allele origin: germline. Not counted in ClinVar's aggregate classification.
Comment: The c.3554_3555delCA pathogenic mutation, located in coding exon 10 of the BRCA2 gene, results from a deletion of two nucleotides at nucleotide positions 3554 to 3555, causing a translational frameshift with a predicted alternate stop codon (p.T1185Sfs*2). This alteration has been reported in individuals with a personal and/or family history of hereditary breast and ovarian cancer-related tumors (Lubinski J et al. Fam Cancer, 2004;3:1-10; Abe T et al. J Clin Oncol, 2019 May;37:1070-1080). This variant is considered to be rare based on population cohorts in the Genome Aggregation Database (gnomAD). This alteration is expected to result in loss of function by premature protein truncation or nonsense-mediated mRNA decay. As such, this alteration is interpreted as a disease-causing mutation.

Color Diagnostics, LLC DBA Color Health
Classification: Pathogenic for Hereditary cancer-predisposing syndrome. Last evaluated: 2022-01-14. Review status: criteria provided, single submitter. Criteria: ACMG Guidelines, 2015. Collection method: clinical testing. Allele origin: germline. Not counted in ClinVar's aggregate classification.
Comment: This variant deletes 2 nucleotides in exon 11 of the BRCA2 gene, creating a frameshift and premature translation stop signal. This variant is expected to result in an absent or non-functional protein product. This variant has been reported in 1 individual affected with uterine cancer (PMID: 30883245). This variant has been identified in 1 family among the CIMBA participants (PMID: 29446198). This variant has not been identified in the general population by the Genome Aggregation Database (gnomAD). Loss of BRCA2 function is a known mechanism of disease. Based on the available evidence, this variant is classified as Pathogenic.

Quest Diagnostics Nichols Institute San Juan Capistrano
Classification: Pathogenic. Last evaluated: 2019-03-19. Review status: criteria provided, single submitter. Criteria: Quest Diagnostics criteria. Collection method: clinical testing. Allele origin: germline. Not counted in ClinVar's aggregate classification.
Comment: The variant results in a shift of the reading frame, and is therefore predicted to result in the loss of a functional protein. Found in at least one symptomatic patient, and not found in general population data.

Consortium of Investigators of Modifiers of BRCA1/2 (CIMBA), c/o University of Cambridge
Classification: Pathogenic for Breast-ovarian cancer, familial, susceptibility to, 2. Last evaluated: 2015-10-02. Review status: criteria provided, single submitter. Criteria: CIMBA Mutation Classification guidelines May 2016. Collection method: clinical testing. Allele origin: germline. Not counted in ClinVar's aggregate classification.

Research Molecular Genetics Laboratory, Women's College Hospital, University of Toronto
Classification: Pathogenic for Hereditary breast ovarian cancer syndrome. Last evaluated: 2014-01-31. Review status: no assertion criteria provided. Collection method: research. Allele origin: germline. Affected: yes. Study: The Canadian Open Genetics Repository (COGR). Not counted in ClinVar's aggregate classification.

Breast Cancer Information Core (BIC) (BRCA2)
Classification: Pathogenic for Breast-ovarian cancer, familial 2. Last evaluated: 2002-05-29. Review status: no assertion criteria provided. Collection method: clinical testing. Allele origin: germline. Affected: yes. Observed: 2 variant alleles. Not counted in ClinVar's aggregate classification.

Literature cited by the submitters: PubMed 20104584 (cited by Labcorp Genetics (formerly Invitae), Labcorp); PubMed 15131399 (cited by Labcorp Genetics (formerly Invitae), Labcorp and Ambry Genetics); PubMed 30883245 (cited by Ambry Genetics and Color Diagnostics, LLC DBA Color Health); PubMed 29446198 (cited by Color Diagnostics, LLC DBA Color Health).